The following is an entry in ClinVar:

ClinVar aggregate classification (germline): Benign/Likely benign. Review status: criteria provided, multiple submitters, no conflicts (2 of 4 stars). 5 submissions from 5 submitters: Benign (3); Likely benign (2). Last evaluated 2026-01-31.

Conditions:
Knobloch syndrome (KNO). Also called: Myopia retinal detachment encephalocele; RETINAL DETACHMENT AND OCCIPITAL ENCEPHALOCELE. Identifiers: Orphanet 1571, MedGen C1849409, MONDO:0800166.

Allele frequency attached by ClinVar (database versions not stated): 1000 Genomes Project 30x 0.00953; 1000 Genomes Project 0.00958; gnomAD 0.01025 and 0.01115; ESP Exome Variant Server 0.01050; TOPMed 0.01107.
gnomAD v4.1: 3,112 of 1,613,832 alleles (0.19%); highest among the groups gnomAD compares: African/African-American, 3.6%; 58 homozygotes.

Submissions (5):

Labcorp Genetics (formerly Invitae), Labcorp
Classification: Benign. Last evaluated: 2026-01-31. Review status: criteria provided, single submitter. Criteria: Invitae Variant Classification Sherloc (09022015). Collection method: clinical testing. Allele origin: germline.

Genetic Services Laboratory, University of Chicago
Classification: Benign. Last evaluated: 2018-12-25. Review status: criteria provided, single submitter. Criteria: ACMG Guidelines, 2015. Collection method: clinical testing. Allele origin: germline. Affected: no.

Illumina Laboratory Services, Illumina
Classification: Benign for Knobloch syndrome 1. Last evaluated: 2018-01-12. Review status: criteria provided, single submitter. Criteria: ICSL Variant Classification Criteria 13 December 2019. Collection method: clinical testing. Allele origin: germline.
Comment: This variant was observed in the ICSL laboratory as part of a predisposition screen in an ostensibly healthy population. It had not been previously curated by ICSL or reported in the Human Gene Mutation Database (HGMD: prior to June 1st, 2018), and was therefore a candidate for classification through an automated scoring system. Utilizing variant allele frequency, disease prevalence and penetrance estimates, and inheritance mode, an automated score was calculated to assess if this variant is too frequent to cause the disease. Based on the score and internal cut-off values, a variant classified as benign is not then subjected to further curation. The score for this variant resulted in a classification of benign for this disease.

Center for Pediatric Genomic Medicine, Children's Mercy Hospital and Clinics
Classification: Likely benign. Last evaluated: 2015-09-25. Review status: criteria provided, single submitter. Criteria: ACMG Guidelines, 2015. Collection method: clinical testing. Allele origin: germline.
ClinVar note: Converted during submission from Likely Benign to Likely benign.

Breakthrough Genomics
Classification: Likely benign. Review status: criteria provided, single submitter. Criteria: ACMG Guidelines, 2015. Collection method: not provided. Allele origin: germline. Inheritance: Autosomal recessive inheritance. Affected: yes.

NM_001379500.1(COL18A1):c.241C>T (p.Arg81Trp)

Gene: COL18A1 (collagen type XVIII alpha 1 chain; plus strand). Cytogenetic location: 21q22.3.
Variant type: single nucleotide variant.
Coding change: c.241C>T on transcript NM_001379500.1 (MANE Select); coding-DNA position 241, C replaced by T.
Protein change: p.Arg81Trp; replaces arginine 81 with tryptophan.
Molecular consequence: missense variant.
Genome position (GRCh38, 1-based): chr21:45,468,376, C>T. VCF-style: chr21-45468376-C-T. GRCh37 (hg19) VCF-style: chr21-46888290-C-T.
Other names: NM_130445.2:c.241C>T; c.781C>T, p.Arg261Trp (NM_030582.4); c.1486C>T, p.Arg496Trp (NM_130444.3); short protein forms R261W, R496W.
Identifiers: ClinVar variation 235468 (VCV000235468.19), dbSNP rs76658745, ClinGen allele CA10065703.
Genomic context (GRCh38, chr21:45,468,376, plus strand): 5'-GACCCCGACGTCGGGCTGGCCTACGTCTTTGGGCCAGATGCCAACAGTGGCCAAGTGGCC[C>T]GGTACCACTTCCCCAGCCTCTTCTTCCGTGACTTCTCACTGCTGTTCCACATCCGGCCAG-3'
Protein context (NP_001366429.1, residues 71-91): GPDANSGQVA[Arg81Trp]YHFPSLFFRD